The following is an entry in ClinVar:

NM_006493.4(CLN5):c.565+6T>C

Gene: CLN5 (CLN5 lysosomal BMP synthase; plus strand). Cytogenetic location: 13q22.3.
Variant type: single nucleotide variant.
Coding change: c.565+6T>C on transcript NM_006493.4 (MANE Select); 6 bases into the intron after coding-DNA position 565, T replaced by C.
Molecular consequence: intron variant.
Genome position (GRCh38, 1-based): chr13:76,996,133, T>C. VCF-style: chr13-76996133-T-C. GRCh37 (hg19) VCF-style: chr13-77570268-T-C.
Other names: c.565+6T>C (NM_001366624.2).
Identifiers: ClinVar variation 1441013 (VCV001441013.5), dbSNP rs758229107, ClinGen allele CA7007217.

ClinVar aggregate classification (germline): Uncertain significance (1 of 4 stars; one submission).

Conditions:
Neuronal ceroid lipofuscinosis. Also called: Neuronal Ceroid Lipofuscinoses. Identifiers: Orphanet 216, Orphanet 79263, MedGen C0027877, MONDO:0016295. Disease mechanism: loss of function.

Allele frequency attached by ClinVar (database versions not stated): gnomAD exomes below 0.00001 and 0.00001; TOPMed below 0.00001; ExAC 0.00001; gnomAD 0.00001.

Submission:

Labcorp Genetics (formerly Invitae), Labcorp
Classification: Uncertain significance for Neuronal ceroid lipofuscinosis. Last evaluated: 2024-09-27. Review status: criteria provided, single submitter. Criteria: Invitae Variant Classification Sherloc (09022015). Collection method: clinical testing. Allele origin: germline.
Comment: This sequence change falls in intron 3 of the CLN5 gene. It does not directly change the encoded amino acid sequence of the CLN5 protein. It affects a nucleotide within the consensus splice site. This variant is present in population databases (rs758229107, gnomAD no frequency). This variant has not been reported in the literature in individuals affected with CLN5-related conditions. ClinVar contains an entry for this variant (Variation ID: 1441013). Variants that disrupt the consensus splice site are a relatively common cause of aberrant splicing (PMID: 17576681, 9536098). Algorithms developed to predict the effect of sequence changes on RNA splicing suggest that this variant is not likely to affect RNA splicing. In summary, the available evidence is currently insufficient to determine the role of this variant in disease. Therefore, it has been classified as a Variant of Uncertain Significance.

Literature cited by the submitters: PubMed 17576681; PubMed 9536098.